The following is an entry in ClinVar:

NM_181332.3(NLGN4X):c.2301G>A (p.Ser767=)

Gene: NLGN4X (neuroligin 4 X-linked; minus strand). Cytogenetic location: Xp22.32.
Variant type: single nucleotide variant.
Coding change: c.2301G>A on transcript NM_181332.3 (MANE Select); coding-DNA position 2301, G replaced by A.
Protein change: p.Ser767=; no amino-acid change (serine 767 retained).
Molecular consequence: synonymous variant.
Genome position (GRCh38, 1-based): chrX:5,892,967, C>T on the plus strand (G>A on the coding strand, the complement: NLGN4X is on the minus strand). VCF-style: chrX-5892967-C-T. GRCh37 (hg19) VCF-style: chrX-5811008-C-T.
Other names: c.2301G>A, p.Ser767= (NM_001282145.2, NM_001282146.2, NM_020742.4).
Identifiers: ClinVar variation 3032753 (VCV003032753.2), dbSNP rs773004622, ClinGen allele CA10340900.
Genomic context (GRCh38, chrX:5,892,967, plus strand): 5'-CGTCAGTGTGTTTGGAATCATGGTGATGGTGTTTGGCGTCATAAGTGGGATGTCATCTGG[C>T]GACCGGCGCAGCGTGAGGGTGTAGTCTGGCGGGCAGGTGAGCCTCAGTGTGTCGTGTGCC-3'
Protein context (NP_851849.1, residues 757-777): PPDYTLTLRR[Ser767=]PDDIPLMTPN

ClinVar aggregate classification (germline): Likely benign (0 of 4 stars; one submission).

Conditions:
NLGN4X-related disorder. Also called: NLGN4X-related condition.

Allele frequency attached by ClinVar (database versions not stated): ExAC 0.00001; TOPMed 0.00003.
gnomAD v4.1: 8 of 1,209,344 alleles (0.00066%); highest among the groups gnomAD compares: South Asian, 0.0018%; no homozygotes.

Submission:

PreventionGenetics, part of Exact Sciences
Classification: Likely benign for NLGN4X-related condition. Last evaluated: 2020-09-22. Review status: no assertion criteria provided. Collection method: clinical testing. Allele origin: germline.
Comment: This variant is classified as likely benign based on ACMG/AMP sequence variant interpretation guidelines (Richards et al. 2015 PMID: 25741868, with internal and published modifications).